The following is an entry in ClinVar:

ClinVar aggregate classification (germline): Benign (1 of 4 stars; one submission).

Allele frequency attached by ClinVar (database versions not stated): 1000 Genomes Project 0.10323; 1000 Genomes Project 30x 0.10618; TOPMed 0.18204; gnomAD 0.18759; gnomAD exomes 0.24425.
gnomAD v4.1: 368,443 of 1,545,782 alleles (24%); highest among the groups gnomAD compares: Middle Eastern, 27%; 47,791 homozygotes.

Submission:

Unidad de Genómica Garrahan, Hospital de Pediatría Garrahan
Classification: Benign. Last evaluated: 2024-01-24. Review status: criteria provided, single submitter. Criteria: ACMG Guidelines, 2015. Collection method: clinical testing. Allele origin: germline. Affected: no. Observed: 31 variant alleles.
Comment: This variant is classified as Benign based on local population frequency. This variant was detected in 33% of patients studied by a panel of primary immunodeficiencies. Number of patients: 31. Only high quality variants are reported.

NM_012452.3(TNFRSF13B):c.632-60T>C

Gene: TNFRSF13B (TNF receptor superfamily member 13B; minus strand). Cytogenetic location: 17p11.2.
Variant type: single nucleotide variant.
Coding change: c.632-60T>C on transcript NM_012452.3 (MANE Select); 60 bases into the intron before coding-DNA position 632, T replaced by C.
Molecular consequence: intron variant.
Genome position (GRCh38, 1-based): chr17:16,939,857, A>G on the plus strand (T>C on the coding strand, the complement: TNFRSF13B is on the minus strand). VCF-style: chr17-16939857-A-G. GRCh37 (hg19) VCF-style: chr17-16843171-A-G.
Identifiers: ClinVar variation 2688220 (VCV002688220.2), dbSNP rs11652811, ClinGen allele CA14431910.
Genomic context (GRCh38, chr17:16,939,857, plus strand): 5'-TCTGCAGAGGCGAGAGTGGAGGGCGTGGGCCAGGCCTGGCCCTGCACTAGGGTAGGGGTG[A>G]CGGTGTGGGCAGCCGCACTCTCCCCCGACCCAGGAGCTAAGGGCAATCACCAGCGTAGAA-3'